The following is an entry in ClinVar:

NM_006904.7(PRKDC):c.11514A>G (p.Glu3838=)

Gene: PRKDC (protein kinase, DNA-activated, catalytic subunit; minus strand). Cytogenetic location: 8q11.21.
Variant type: single nucleotide variant.
Coding change: c.11514A>G on transcript NM_006904.7 (MANE Select); coding-DNA position 11514, A replaced by G.
Protein change: p.Glu3838=; no amino-acid change (glutamic acid 3838 retained).
Molecular consequence: synonymous variant.
Genome position (GRCh38, 1-based): chr8:47,779,069, T>C on the plus strand (A>G on the coding strand, the complement: PRKDC is on the minus strand). VCF-style: chr8-47779069-T-C. GRCh37 (hg19) VCF-style: chr8-48691630-T-C.
Other names: c.11421A>G, p.Glu3807= (NM_001081640.2).
Identifiers: ClinVar variation 2658590 (VCV002658590.24), dbSNP rs1037069207, ClinGen allele CA176134033.

ClinVar aggregate classification (germline): Likely benign (1 of 4 stars; one submission).

Allele frequency attached by ClinVar (database versions not stated): TOPMed below 0.00001.
gnomAD v4.1: 1 of 1,599,328 alleles (0.000063%); highest among the groups gnomAD compares: Non-Finnish European, 0.000085%; no homozygotes.

Submission:

CeGaT Center for Human Genetics Tuebingen
Classification: Likely benign. Last evaluated: 2022-05-01. Review status: criteria provided, single submitter. Criteria: CeGaT Center For Human Genetics Tuebingen Variant Classification Criteria Version 2. Collection method: clinical testing. Allele origin: germline. Affected: yes. Observed: 1 variant allele.
Comment: PRKDC: PM2:Supporting, BP4, BP7